The following is an entry in ClinVar:

NM_032119.4(ADGRV1):c.3972A>T (p.Gly1324=)

Gene: ADGRV1 (adhesion G protein-coupled receptor V1; plus strand). Cytogenetic location: 5q14.3.
Variant type: single nucleotide variant.
Coding change: c.3972A>T on transcript NM_032119.4 (MANE Select); coding-DNA position 3972, A replaced by T.
Protein change: p.Gly1324=; no amino-acid change (glycine 1324 retained).
Molecular consequence: synonymous variant. On other transcripts: non-coding transcript variant (1).
Genome position (GRCh38, 1-based): chr5:90,653,546, A>T. VCF-style: chr5-90653546-A-T. GRCh37 (hg19) VCF-style: chr5-89949363-A-T.
Other names: c.3972A>T (NM_032119.3).
Identifiers: ClinVar variation 1957528 (VCV001957528.6), dbSNP rs918213765, ClinGen allele CA121839832.

ClinVar aggregate classification (germline): Likely benign. Review status: criteria provided, multiple submitters, no conflicts (2 of 4 stars). 2 submissions from 2 submitters: Likely benign (2). Last evaluated 2025-12-30.

Conditions:
ADGRV1-related disorder. Also called: ADGRV1-related condition; ADGRV1-related disorders.

Allele frequency attached by ClinVar (database versions not stated): gnomAD exomes 0.00002; gnomAD 0.00003; TOPMed 0.00003.
gnomAD v4.1: 37 of 1,613,808 alleles (0.0023%); highest among the groups gnomAD compares: Non-Finnish European, 0.0025%; no homozygotes.

Submissions (2):

Labcorp Genetics (formerly Invitae), Labcorp
Classification: Likely benign. Last evaluated: 2025-12-30. Review status: criteria provided, single submitter. Criteria: Invitae Variant Classification Sherloc (09022015). Collection method: clinical testing. Allele origin: germline.

PreventionGenetics, part of Exact Sciences
Classification: Likely benign for ADGRV1-related condition. Last evaluated: 2025-11-11. Review status: criteria provided, single submitter. Criteria: ACMG Guidelines, 2015. Collection method: clinical testing. Allele origin: germline.
Comment: This variant is classified as likely benign based on ACMG/AMP sequence variant interpretation guidelines (Richards et al. 2015 PMID: 25741868, with internal and published modifications).